The following is an entry in ClinVar:

ClinVar aggregate classification (germline): Uncertain significance. Review status: criteria provided, multiple submitters, no conflicts (2 of 4 stars). 2 submissions from 2 submitters: Uncertain significance (2). Last evaluated 2024-04-22.

Conditions:
Tuberous sclerosis 1 (TSC1). Identifiers: Orphanet 805, MedGen C1854465, MONDO:0008612, OMIM 191100.

Submissions (2):

Labcorp Genetics (formerly Invitae), Labcorp
Classification: Uncertain significance for Tuberous sclerosis 1. Last evaluated: 2024-04-22. Review status: criteria provided, single submitter. Criteria: Invitae Variant Classification Sherloc (09022015). Collection method: clinical testing. Allele origin: germline.
Comment: This sequence change replaces leucine, which is neutral and non-polar, with phenylalanine, which is neutral and non-polar, at codon 346 of the TSC1 protein (p.Leu346Phe). This variant is not present in population databases (gnomAD no frequency). This variant has not been reported in the literature in individuals affected with TSC1-related conditions. ClinVar contains an entry for this variant (Variation ID: 1315379). Advanced modeling of protein sequence and biophysical properties (such as structural, functional, and spatial information, amino acid conservation, physicochemical variation, residue mobility, and thermodynamic stability) performed at Invitae indicates that this missense variant is not expected to disrupt TSC1 protein function with a negative predictive value of 95%. In summary, the available evidence is currently insufficient to determine the role of this variant in disease. Therefore, it has been classified as a Variant of Uncertain Significance.

GeneDx
Classification: Uncertain significance. Last evaluated: 2020-02-10. Review status: criteria provided, single submitter. Criteria: GeneDx Variant Classification Process June 2021. Collection method: clinical testing. Allele origin: germline. Affected: yes.
Comment: Not observed in large population cohorts (Lek et al., 2016); In silico analysis supports that this missense variant does not alter protein structure/function; Has not been previously published as pathogenic or benign to our knowledge

NM_000368.5(TSC1):c.1036C>T (p.Leu346Phe)

Gene: TSC1 (TSC complex subunit 1; minus strand). Cytogenetic location: 9q34.13.
Variant type: single nucleotide variant.
Coding change: c.1036C>T on transcript NM_000368.5 (MANE Select); coding-DNA position 1036, C replaced by T.
Protein change: p.Leu346Phe; replaces leucine 346 with phenylalanine.
Molecular consequence: missense variant.
Genome position (GRCh38, 1-based): chr9:132,911,107, G>A on the plus strand (C>T on the coding strand, the complement: TSC1 is on the minus strand). VCF-style: chr9-132911107-G-A. GRCh37 (hg19) VCF-style: chr9-135786494-G-A.
Other names: c.1036C>T, p.Leu346Phe (NM_001162426.2); c.883C>T, p.Leu295Phe (NM_001162427.2); c.673C>T, p.Leu225Phe (NM_001362177.2); short protein forms L225F, L295F, L346F.
Identifiers: ClinVar variation 1315379 (VCV001315379.4), dbSNP rs2131964723, ClinGen allele CA375367891.